The following is an entry in ClinVar:

ClinVar aggregate classification (germline): Benign/Likely benign. Review status: criteria provided, multiple submitters, no conflicts (2 of 4 stars). 5 submissions from 5 submitters: Benign (2); Likely benign (2). 1 of the submissions does not count toward it. Last evaluated 2026-01-23.

Conditions:
TNFSF12-related disorder. Also called: TNFSF12-related condition.
Common variable immunodeficiency (CVID). Also called: Common variable hypogamma-globulinemia; Common variable agammaglobulinemia. Identifiers: Orphanet 1572, MedGen C0009447, MONDO:0015517.

Allele frequency attached by ClinVar (database versions not stated): gnomAD exomes 0.00041; ExAC 0.00044; ESP Exome Variant Server 0.00115; 1000 Genomes Project 0.00120; 1000 Genomes Project 30x 0.00125; gnomAD 0.00130 and 0.00140; TOPMed 0.00154.

Submissions (5):

Women's Health and Genetics/Laboratory Corporation of America, LabCorp
Classification: Likely benign. Last evaluated: 2026-01-23. Review status: criteria provided, single submitter. Criteria: LabCorp Variant Classification Summary - May 2015. Collection method: clinical testing. Allele origin: germline.

Labcorp Genetics (formerly Invitae), Labcorp
Classification: Benign for Common variable immunodeficiency. Last evaluated: 2026-01-09. Review status: criteria provided, single submitter. Criteria: Invitae Variant Classification Sherloc (09022015). Collection method: clinical testing. Allele origin: germline.

Blueprint Genetics
Classification: Likely benign. Last evaluated: 2024-07-08. Review status: criteria provided, single submitter. Criteria: ACMG Guidelines, 2015. Collection method: clinical testing. Allele origin: germline.

Breakthrough Genomics
Classification: Benign. Review status: criteria provided, single submitter. Criteria: ACMG Guidelines, 2015. Collection method: not provided. Allele origin: germline. Inheritance: Unknown mechanism. Affected: yes.

PreventionGenetics, part of Exact Sciences
Classification: Likely benign for TNFSF12-related condition. Last evaluated: 2019-08-09. Review status: no assertion criteria provided. Collection method: clinical testing. Allele origin: germline. Not counted in ClinVar's aggregate classification.
Comment: This variant is classified as likely benign based on ACMG/AMP sequence variant interpretation guidelines (Richards et al. 2015 PMID: 25741868, with internal and published modifications).

NM_003809.3(TNFSF12):c.609C>T (p.Leu203=)

Genes: TNFSF12 (TNF superfamily member 12; plus strand), TNFSF12-TNFSF13 (TNFSF12-TNFSF13 readthrough; plus strand). Cytogenetic location: 17p13.1.
Variant type: single nucleotide variant.
Coding change: c.609C>T on transcript NM_003809.3 (MANE Select); coding-DNA position 609, C replaced by T.
Protein change: p.Leu203=; no amino-acid change (leucine 203 retained).
Molecular consequence: synonymous variant. On other transcripts: non-coding transcript variant (1), intron variant (1).
Genome position (GRCh38, 1-based): chr17:7,557,209, C>T. VCF-style: chr17-7557209-C-T. GRCh37 (hg19) VCF-style: chr17-7460526-C-T.
Other names: c.498+307C>T (NM_172089.4).
Identifiers: ClinVar variation 455757 (VCV000455757.16), dbSNP rs140608168, ClinGen allele CA8350885.
Genomic context (GRCh38, chr17:7,557,209, plus strand): 5'-GGATGGTGTGCTGGCCCTGCGCTGCCTGGAGGAATTCTCAGCCACTGCGGCGAGTTCCCT[C>T]GGGCCCCAGCTCCGCCTCTGCCAGGTGTCTGGGCTGTTGGCCCTGCGGCCAGGGTCCTCC-3'
Protein context (NP_003800.1, residues 193-213): EEFSATAASS[Leu203=]GPQLRLCQVS